The following is an entry in ClinVar:

ClinVar aggregate classification (germline): Likely pathogenic (0 of 4 stars; one submission).

Conditions:
HSF4-related disorder. Also called: HSF4-related condition.

Submission:

PreventionGenetics, part of Exact Sciences
Classification: Likely pathogenic for HSF4-related condition. Last evaluated: 2024-04-02. Review status: no assertion criteria provided. Collection method: clinical testing. Allele origin: germline.
Comment: The HSF4 c.904delG variant is predicted to result in a frameshift and premature protein termination (p.Asp302Metfs*17). To our knowledge, this variant has not been reported in the literature. This variant is reported in 0.014% of alleles in individuals of African descent in gnomAD, which is likely too frequent to be associated with high penetrance. Frameshift variants in HSF4 are expected to be pathogenic. This variant is interpreted as likely pathogenic.

NM_001374675.1(HSF4):c.904del (p.Asp302fs)

Gene: HSF4 (heat shock transcription factor 4; plus strand). Cytogenetic location: 16q22.1.
Variant type: Deletion.
Coding change: c.904del on transcript NM_001374675.1 (MANE Select); coding-DNA position 904, one base deleted (G; older notation c.904delG).
Protein change: p.Asp302fs; shifts the reading frame from aspartic acid 302.
Molecular consequence: frameshift variant. On other transcripts: intron variant (2).
Genome position (GRCh38, 1-based): chr16:67,167,769, G deleted; the last of 7 consecutive G bases (chr16:67,167,763-67,167,769); deleting any one gives the same sequence. VCF-style (leftmost placement, unchanged base first): chr16-67167762-AG-A. GRCh37 (hg19) VCF-style: chr16-67201665-AG-A.
Other names: c.904del, p.Asp302fs (NM_001040667.3); c.869-55del (NM_001538.4, NM_001374674.1); short protein forms D302fs.
Identifiers: ClinVar variation 2634990 (VCV002634990.2), dbSNP rs760309963, ClinGen allele CA8102028.
Genomic context (GRCh38, chr16:67,167,762, plus strand): 5'-AGCTTTTCTCTGGTGCAGGGAGAAGGGCCTGGCACTGCTCAAAGAAGAGCCGGCCAGTCC[AG>A]GGGGGGATGGCGAGGCCGGGCTGGCCCTGGCCCCAAACGAGTGTGACTTCTGCGTGACAG-3'